The following is an entry in ClinVar:

ClinVar aggregate classification (germline): Uncertain significance (1 of 4 stars; one submission).

Submission:

GeneDx
Classification: Uncertain significance. Last evaluated: 2024-02-28. Review status: criteria provided, single submitter. Criteria: GeneDx Variant Classification Process June 2021. Collection method: clinical testing. Allele origin: germline. Affected: yes.
Comment: Not observed at significant frequency in large population cohorts (gnomAD); In silico analysis supports that this missense variant does not alter protein structure/function; Has not been previously published as pathogenic or benign to our knowledge

NM_003128.3(SPTBN1):c.2551C>G (p.Leu851Val)

Gene: SPTBN1 (spectrin beta, non-erythrocytic 1; plus strand). Cytogenetic location: 2p16.2.
Variant type: single nucleotide variant.
Coding change: c.2551C>G on transcript NM_003128.3 (MANE Select); coding-DNA position 2551, C replaced by G.
Protein change: p.Leu851Val; replaces leucine 851 with valine.
Molecular consequence: missense variant.
Genome position (GRCh38, 1-based): chr2:54,629,685, C>G. VCF-style: chr2-54629685-C-G. GRCh37 (hg19) VCF-style: chr2-54856822-C-G.
Other names: c.2512C>G, p.Leu838Val (NM_178313.3); short protein forms L838V, L851V.
Identifiers: ClinVar variation 3369799 (VCV003369799.1).